The following is an entry in ClinVar:

ClinVar aggregate classification (germline): Uncertain significance (1 of 4 stars; one submission).

Conditions:
Autosomal dominant limb-girdle muscular dystrophy type 1G (LGMDD3). Also called: Limb-girdle muscular dystrophy, type 1G; MUSCULAR DYSTROPHY, LIMB-GIRDLE, AUTOSOMAL DOMINANT 3. Identifiers: Orphanet 55596, MedGen C1836765, MONDO:0012193, OMIM 609115.

Submission:

Labcorp Genetics (formerly Invitae), Labcorp
Classification: Uncertain significance for Autosomal dominant limb-girdle muscular dystrophy type 1G. Last evaluated: 2024-11-05. Review status: criteria provided, single submitter. Criteria: Invitae Variant Classification Sherloc (09022015). Collection method: clinical testing. Allele origin: germline.
Comment: This sequence change replaces arginine, which is basic and polar, with glycine, which is neutral and non-polar, at codon 109 of the HNRNPDL protein (p.Arg109Gly). This variant is not present in population databases (gnomAD no frequency). This variant has not been reported in the literature in individuals affected with HNRNPDL-related conditions. ClinVar contains an entry for this variant (Variation ID: 2817619). An algorithm developed to predict the effect of missense changes on protein structure and function (PolyPhen-2) suggests that this variant is likely to be tolerated. In summary, the available evidence is currently insufficient to determine the role of this variant in disease. Therefore, it has been classified as a Variant of Uncertain Significance.

NM_031372.4(HNRNPDL):c.325C>G (p.Arg109Gly)

Gene: HNRNPDL (heterogeneous nuclear ribonucleoprotein D like; minus strand). Cytogenetic location: 4q21.22.
Variant type: single nucleotide variant.
Coding change: c.325C>G on transcript NM_031372.4 (MANE Select); coding-DNA position 325, C replaced by G.
Protein change: p.Arg109Gly; replaces arginine 109 with glycine.
Molecular consequence: missense variant. On other transcripts: non-coding transcript variant (1).
Genome position (GRCh38, 1-based): chr4:82,429,366, G>C on the plus strand (C>G on the coding strand, the complement: HNRNPDL is on the minus strand). VCF-style: chr4-82429366-G-C. GRCh37 (hg19) VCF-style: chr4-83350519-G-C.
Other names: c.325C>G, p.Arg109Gly (NM_001207000.1); short protein forms R109G.
Identifiers: ClinVar variation 2817619 (VCV002817619.3), dbSNP rs200737081, ClinGen allele CA357172598.
Genomic context (GRCh38, chr4:82,429,366, plus strand): 5'-TATTGCTGTACTCGTTCATATCCTCCATAGTGACGGAGCTGTCGGCAGGGGGGTGCTGGC[G>C]CGCAGTCCGGGTCGCGGCAGCAGCGGCGGCGGAGCGTTGTATGGAGCTGGATTTAAAATG-3'
Protein context (NP_112740.1, residues 99-119): AAAAAATRTA[Arg109Gly]QHPPADSSVT